The following is an entry in ClinVar:

NM_012463.4(ATP6V0A2):c.1223T>C (p.Phe408Ser)

Gene: ATP6V0A2 (ATPase H+ transporting V0 subunit a2; plus strand). Cytogenetic location: 12q24.31.
Variant type: single nucleotide variant.
Coding change: c.1223T>C on transcript NM_012463.4 (MANE Select); coding-DNA position 1223, T replaced by C.
Protein change: p.Phe408Ser; replaces phenylalanine 408 with serine.
Molecular consequence: missense variant.
Genome position (GRCh38, 1-based): chr12:123,744,234, T>C. VCF-style: chr12-123744234-T-C. GRCh37 (hg19) VCF-style: chr12-124228781-T-C.
Other names: c.1223T>C (NM_012463.3); short protein forms F408S.
Identifiers: ClinVar variation 2161819 (VCV002161819.3), dbSNP rs749773905, ClinGen allele CA6861883.

ClinVar aggregate classification (germline): Uncertain significance. Review status: criteria provided, multiple submitters, no conflicts (2 of 4 stars). 2 submissions from 2 submitters: Uncertain significance (2). Last evaluated 2024-03-31.

Conditions:
Inborn genetic diseases. Identifiers: MedGen C0950123, MeSH D030342.
ALG9 congenital disorder of glycosylation (CDG1L). Also called: CDG Il; ALG9-CDG; CONGENITAL DISORDER OF GLYCOSYLATION, TYPE Il. Identifiers: Orphanet 79328, MedGen C2931006, MONDO:0012117, OMIM 608776.

Allele frequency attached by ClinVar (database versions not stated): ExAC 0.00001; gnomAD exomes 0.00001; gnomAD 0.00002; TOPMed 0.00002.
gnomAD v4.1: 18 of 1,614,102 alleles (0.0011%); highest among the groups gnomAD compares: Non-Finnish European, 0.0014%; no homozygotes.

Submissions (2):

Ambry Genetics
Classification: Uncertain significance for Inborn genetic diseases. Last evaluated: 2024-03-31. Review status: criteria provided, single submitter. Criteria: Ambry Variant Classification Scheme 2023. Collection method: clinical testing. Allele origin: germline.

Labcorp Genetics (formerly Invitae), Labcorp
Classification: Uncertain significance for ALG9 congenital disorder of glycosylation. Last evaluated: 2022-06-24. Review status: criteria provided, single submitter. Criteria: Invitae Variant Classification Sherloc (09022015). Collection method: clinical testing. Allele origin: germline.
Comment: In summary, the available evidence is currently insufficient to determine the role of this variant in disease. Therefore, it has been classified as a Variant of Uncertain Significance. Algorithms developed to predict the effect of missense changes on protein structure and function (SIFT, PolyPhen-2, Align-GVGD) all suggest that this variant is likely to be disruptive. This variant has not been reported in the literature in individuals affected with ATP6V0A2-related conditions. This variant is present in population databases (rs749773905, gnomAD 0.002%). This sequence change replaces phenylalanine, which is neutral and non-polar, with serine, which is neutral and polar, at codon 408 of the ATP6V0A2 protein (p.Phe408Ser).